The following is an entry in ClinVar:

ClinVar aggregate classification (germline): Uncertain significance. Review status: criteria provided, multiple submitters, no conflicts (2 of 4 stars). 3 submissions from 3 submitters: Uncertain significance (3). Last evaluated 2026-08-06.

Conditions:
Renal cell carcinoma. Identifiers: Orphanet 217071, MedGen C0007134, MeSH D002292, MONDO:0005086, HP:0005584.
Hereditary cancer-predisposing syndrome. Also called: Neoplastic Syndromes, Hereditary; Hereditary Cancer Syndrome; Tumor predisposition; Hereditary neoplastic syndrome. Identifiers: Orphanet 140162, MedGen C0027672, MeSH D009386, MONDO:0015356.
Osteofibrous dysplasia (OSFD). Also called: Tibia, bowing of, with pseudarthrosis and pectus excavatum. Identifiers: Orphanet 488265, MedGen C4085248, MONDO:0011806, OMIM 607278.

Allele frequency attached by ClinVar (database versions not stated): gnomAD exomes 0.00001 and below 0.00001; ExAC 0.00001.
gnomAD v4.1: 3 of 1,613,866 alleles (0.00019%); highest among the groups gnomAD compares: Non-Finnish European, 0.00025%; no homozygotes.

Submissions (3):

OLLIN Analises Genomicas, OLLIN
Classification: Uncertain significance for Osteofibrous dysplasia. Last evaluated: 2026-08-06. Review status: criteria provided, single submitter. Criteria: ACMG Guidelines 2015 PMID 25741868. Collection method: clinical testing. Allele origin: germline. Inheritance: Autosomal dominant inheritance.
Comment: This missense variant, located in exon 2 (of 21), has been reported in ClinVar (accession VCV000665396.13) and in gnomAD with an allele frequency of 0.00019%. However, to our knowledge, it has not been reported in the scientific literature. In silico analysis predicts that this variant has a tolerated effect. According to the currently available evidence, this variant has been classified as uncertain significance (PM2_P, BP4_M).

Labcorp Genetics (formerly Invitae), Labcorp
Classification: Uncertain significance for Renal cell carcinoma. Last evaluated: 2025-07-02. Review status: criteria provided, single submitter. Criteria: Invitae Variant Classification Sherloc (09022015). Collection method: clinical testing. Allele origin: germline.
Comment: This sequence change replaces threonine, which is neutral and polar, with isoleucine, which is neutral and non-polar, at codon 17 of the MET protein (p.Thr17Ile). This variant is present in population databases (rs747777018, gnomAD 0.002%). This variant has not been reported in the literature in individuals affected with MET-related conditions. ClinVar contains an entry for this variant (Variation ID: 665396). Invitae Evidence Modeling of protein sequence and biophysical properties (such as structural, functional, and spatial information, amino acid conservation, physicochemical variation, residue mobility, and thermodynamic stability) indicates that this missense variant is not expected to disrupt MET protein function with a negative predictive value of 80%. In summary, the available evidence is currently insufficient to determine the role of this variant in disease. Therefore, it has been classified as a Variant of Uncertain Significance.

Ambry Genetics
Classification: Uncertain significance for Hereditary cancer-predisposing syndrome. Last evaluated: 2025-02-28. Review status: criteria provided, single submitter. Criteria: Ambry Variant Classification Scheme 2023. Collection method: clinical testing. Allele origin: germline.
Comment: The p.T17I variant (also known as c.50C>T), located in coding exon 1 of the MET gene, results from a C to T substitution at nucleotide position 50. The threonine at codon 17 is replaced by isoleucine, an amino acid with similar properties. This amino acid position is not well conserved in available vertebrate species. In addition, this alteration is predicted to be tolerated by in silico analysis. Based on the available evidence, the clinical significance of this variant remains unclear.

NM_000245.4(MET):c.50C>T (p.Thr17Ile)

Gene: MET (MET proto-oncogene, receptor tyrosine kinase; plus strand). Cytogenetic location: 7q31.2.
Variant type: single nucleotide variant.
Coding change: c.50C>T on transcript NM_000245.4 (MANE Select); coding-DNA position 50, C replaced by T.
Protein change: p.Thr17Ile; replaces threonine 17 with isoleucine.
Molecular consequence: missense variant. On other transcripts: intron variant (1).
Genome position (GRCh38, 1-based): chr7:116,699,134, C>T. VCF-style: chr7-116699134-C-T. GRCh37 (hg19) VCF-style: chr7-116339188-C-T.
Other names: c.50C>T, p.Thr17Ile (NM_001127500.3, NM_001324401.3); c.-91+26557C>T (NM_001324402.2); short protein forms T17I.
Identifiers: ClinVar variation 665396 (VCV000665396.14), dbSNP rs747777018, ClinGen allele CA4447937.